The following is an entry in ClinVar:

ClinVar aggregate classification (germline): Uncertain significance (1 of 4 stars; one submission).

Submission:

GeneDx
Classification: Uncertain significance. Last evaluated: 2024-11-18. Review status: criteria provided, single submitter. Criteria: GeneDx Variant Classification Process June 2021. Collection method: clinical testing. Allele origin: germline. Affected: yes.
Comment: Not observed at significant frequency in large population cohorts (gnomAD); In silico analysis indicates that this missense variant does not alter protein structure/function; Has not been previously published as pathogenic or benign to our knowledge

NM_006852.6(TLK2):c.618A>T (p.Arg206Ser)

Gene: TLK2 (tousled like kinase 2; plus strand). Cytogenetic location: 17q23.2.
Variant type: single nucleotide variant.
Coding change: c.618A>T on transcript NM_006852.6 (MANE Select); coding-DNA position 618, A replaced by T.
Protein change: p.Arg206Ser; replaces arginine 206 with serine.
Molecular consequence: missense variant. On other transcripts: intron variant (1).
Genome position (GRCh38, 1-based): chr17:62,552,388, A>T. VCF-style: chr17-62552388-A-T. GRCh37 (hg19) VCF-style: chr17-60629749-A-T.
Other names: c.618A>T, p.Arg206Ser (NM_001284333.3, NM_001375270.1, NM_001375271.1); c.522A>T, p.Arg174Ser (NM_001284363.1, NM_001375272.1); c.171A>T, p.Arg57Ser (NM_001330418.3, NM_001375273.1); c.660A>T, p.Arg220Ser (NM_001375269.1); c.436-7628A>T (NM_001411074.1); short protein forms R174S, R206S, R220S, R57S.
Identifiers: ClinVar variation 3899624 (VCV003899624.1).